The following is an entry in ClinVar:

NM_001371279.1(REEP1):c.569G>A (p.Ser190Asn)

Gene: REEP1 (receptor accessory protein 1; minus strand). Cytogenetic location: 2p11.2.
Variant type: single nucleotide variant.
Coding change: c.569G>A on transcript NM_001371279.1 (MANE Select); coding-DNA position 569, G replaced by A.
Protein change: p.Ser190Asn; replaces serine 190 with asparagine.
Molecular consequence: missense variant. On other transcripts: intron variant (1).
Genome position (GRCh38, 1-based): chr2:86,232,651, C>T on the plus strand (G>A on the coding strand, the complement: REEP1 is on the minus strand). VCF-style: chr2-86232651-C-T. GRCh37 (hg19) VCF-style: chr2-86459774-C-T.
Other names: c.590G>A, p.Ser197Asn (NM_001164730.2); c.488G>A, p.Ser163Asn (NM_001164731.2); c.334G>A, p.Val112Met (NM_001164732.2); c.569G>A, p.Ser190Asn (NM_022912.3); c.418-15541G>A (NM_001371280.1); short protein forms S163N, S197N, S190N, V112M.
Identifiers: ClinVar variation 1512262 (VCV001512262.8), dbSNP rs1425896792, ClinGen allele CA347547139.

ClinVar aggregate classification (germline): Uncertain significance (1 of 4 stars; one submission).

Conditions:
Hereditary spastic paraplegia 31. Also called: SPASTIC PARAPLEGIA 31, AUTOSOMAL DOMINANT. Identifiers: Orphanet 101011, MedGen C1853247, MONDO:0012453, OMIM 610250.

Allele frequency attached by ClinVar (database versions not stated): gnomAD 0.00001; gnomAD exomes 0.00001; TOPMed 0.00001.
gnomAD v4.1: 8 of 1,612,932 alleles (0.0005%); highest among the groups gnomAD compares: African/African-American, 0.0013%; no homozygotes.

Submission:

Labcorp Genetics (formerly Invitae), Labcorp
Classification: Uncertain significance for Hereditary spastic paraplegia 31. Last evaluated: 2023-08-17. Review status: criteria provided, single submitter. Criteria: Invitae Variant Classification Sherloc (09022015). Collection method: clinical testing. Allele origin: germline.
Comment: In summary, the available evidence is currently insufficient to determine the role of this variant in disease. Therefore, it has been classified as a Variant of Uncertain Significance. An algorithm developed to predict the effect of missense changes on protein structure and function (PolyPhen-2) suggests that this variant is likely to be tolerated. ClinVar contains an entry for this variant (Variation ID: 1512262). This variant has not been reported in the literature in individuals affected with REEP1-related conditions. This variant is not present in population databases (gnomAD no frequency). This sequence change replaces serine, which is neutral and polar, with asparagine, which is neutral and polar, at codon 190 of the REEP1 protein (p.Ser190Asn).